The following is an entry in ClinVar:

NM_000632.4(ITGAM):c.739A>G (p.Lys247Glu)

Genes: ITGAM (integrin subunit alpha M; plus strand), LOC126862332 (BRD4-independent group 4 enhancer GRCh37_chr16:31284654-31285853; plus strand). Cytogenetic location: 16p11.2.
Variant type: single nucleotide variant.
Coding change: c.739A>G on transcript NM_000632.4 (MANE Select); coding-DNA position 739, A replaced by G.
Protein change: p.Lys247Glu; replaces lysine 247 with glutamic acid.
Molecular consequence: missense variant.
Genome position (GRCh38, 1-based): chr16:31,273,399, A>G. VCF-style: chr16-31273399-A-G. GRCh37 (hg19) VCF-style: chr16-31284720-A-G.
Other names: c.739A>G, p.Lys247Glu (NM_001145808.2); short protein forms K247E.
Identifiers: ClinVar variation 1491309 (VCV001491309.7), dbSNP rs200610250, ClinGen allele CA8025329.

ClinVar aggregate classification (germline): Uncertain significance. Review status: criteria provided, multiple submitters, no conflicts (2 of 4 stars). 2 submissions from 2 submitters: Uncertain significance (2). Last evaluated 2026-01-16.

Allele frequency attached by ClinVar (database versions not stated): gnomAD exomes 0.00009 and 0.00020; gnomAD 0.00010 and 0.00011; TOPMed 0.00016; ExAC 0.00017; ESP Exome Variant Server 0.00017.
gnomAD v4.1: 175 of 1,613,814 alleles (0.011%); highest among the groups gnomAD compares: Middle Eastern, 0.15%; 1 homozygote.

Submissions (2):

Labcorp Genetics (formerly Invitae), Labcorp
Classification: Uncertain significance. Last evaluated: 2026-01-16. Review status: criteria provided, single submitter. Criteria: Invitae Variant Classification Sherloc (09022015). Collection method: clinical testing. Allele origin: germline.
Comment: This sequence change replaces lysine, which is basic and polar, with glutamic acid, which is acidic and polar, at codon 247 of the ITGAM protein (p.Lys247Glu). This variant is present in population databases (rs200610250, gnomAD 0.06%), and has an allele count higher than expected for a pathogenic variant. This variant has not been reported in the literature in individuals affected with ITGAM-related conditions. ClinVar contains an entry for this variant (Variation ID: 1491309). An algorithm developed to predict the effect of missense changes on protein structure and function outputs the following: PolyPhen-2: "Benign". The glutamic acid amino acid residue is found in multiple mammalian species, which suggests that this missense change does not adversely affect protein function. In summary, the available evidence is currently insufficient to determine the role of this variant in disease. Therefore, it has been classified as a Variant of Uncertain Significance.

Breakthrough Genomics
Classification: Uncertain significance. Review status: criteria provided, single submitter. Criteria: ACMG Guidelines, 2015. Collection method: not provided. Allele origin: germline. Inheritance: Unknown mechanism. Affected: yes.